The following continues an entry in ClinVar:

NM_001298.3(CNGA3):c.1306C>T (p.Arg436Trp)

Gene: CNGA3. ClinVar aggregate classification (germline): Pathogenic. Pathogenic (15).

Submissions 15 to 21 of 21:

Neuberg Centre For Genomic Medicine, NCGM
Classification: Pathogenic for Achromatopsia 2. Review status: criteria provided, single submitter. Criteria: ACMG Guidelines, 2015. Collection method: clinical testing. Allele origin: germline. Inheritance: Autosomal recessive inheritance. Affected: yes.
Comment: The missense variant p.R436W in CNGA3 (NM_001298.3) has been previously reported in multiple affected individuals (Li S et al,Huang L et al). Functional studies suggest a damaging effect (Muraki-Oda S et al). In silico tools are damaging and the residue is poorly conserved across species. For these reasons, this variant has been classified as Pathogenic.

Sharon lab, Hadassah-Hebrew University Medical Center
Classification: Likely pathogenic for achromatopsia. Last evaluated: 2019-06-23. Review status: no assertion criteria provided. Collection method: research. Allele origin: inherited. Affected: yes. Not counted in ClinVar's aggregate classification.

OMIM
Classification: Pathogenic for ACHROMATOPSIA 2. Last evaluated: 2001-10-01. Review status: no assertion criteria provided. Collection method: literature only. Allele origin: germline. Not counted in ClinVar's aggregate classification.

Clinical Genetics DNA and cytogenetics Diagnostics Lab, Erasmus MC, Erasmus Medical Center
Classification: Pathogenic. Review status: no assertion criteria provided. Collection method: clinical testing. Allele origin: germline. Affected: yes. Study: VKGL Data-share Consensus. Not counted in ClinVar's aggregate classification.

Genetics laboratory, Institute of Kidney Diseases & Research Centre Dr. H.L. Trivedi Institute Of Transplantation Sciences
Classification: Pathogenic for Achromatopsia 2. Review status: no assertion criteria provided. Collection method: clinical testing. Allele origin: germline. Inheritance: Autosomal recessive inheritance. Affected: yes. Not counted in ClinVar's aggregate classification.

Joint Genome Diagnostic Labs from Nijmegen and Maastricht, Radboudumc and MUMC+
Classification: Likely pathogenic. Review status: no assertion criteria provided. Collection method: clinical testing. Allele origin: germline. Affected: yes. Study: VKGL Data-share Consensus. Not counted in ClinVar's aggregate classification.

Laboratory of Genetics in Ophthalmology, Institut Imagine
Classification: Pathogenic for Achromatopsia 2. Review status: no assertion criteria provided. Collection method: research. Allele origin: inherited. Affected: yes. Observed: 2 variant alleles. Not counted in ClinVar's aggregate classification.

Literature cited by the submitters: PubMed 11536077 (cited by 7 submitters); PubMed 25943428 (cited by 5 submitters); PubMed 26992781 (cited by 3 submitters); PubMed 17693388 (cited by 4 submitters); PubMed 20088482 (cited by 3 submitters); PubMed 21778272 (cited by Dasa and Laboratory for Molecular Medicine, Mass General Brigham Personalized Medicine); PubMed 25616768 (cited by Laboratory for Molecular Medicine, Mass General Brigham Personalized Medicine); PubMed 15712225 (cited by Laboratory for Molecular Medicine, Mass General Brigham Personalized Medicine); PubMed 14757870 (cited by Laboratory for Molecular Medicine, Mass General Brigham Personalized Medicine); PubMed 16961972 (cited by Laboratory for Molecular Medicine, Mass General Brigham Personalized Medicine); PubMed 24903488 (cited by Laboratory for Molecular Medicine, Mass General Brigham Personalized Medicine); PubMed 30418171 (cited by Institute of Human Genetics, Univ. Regensburg, Univ. Regensburg); PubMed 30804581 (cited by Institute of Human Genetics, Univ. Regensburg, Univ. Regensburg); PubMed 30609409 (cited by Institute of Human Genetics, Univ. Regensburg, Univ. Regensburg); PubMed 30682209 (cited by Institute of Human Genetics, Univ. Regensburg, Univ. Regensburg); PubMed 33083013 (cited by Institute of Human Genetics, Univ. Regensburg, Univ. Regensburg); PubMed 31964843 (cited by Institute of Human Genetics, Univ. Regensburg, Univ. Regensburg); PubMed 31456290 (cited by Institute of Human Genetics, Univ. Regensburg, Univ. Regensburg); PubMed 32531858 (cited by Institute of Human Genetics, Univ. Regensburg, Univ. Regensburg); PubMed 34426522 (cited by Institute of Human Genetics, Univ. Regensburg, Univ. Regensburg); DOI 10.1186/s43042-023-00420-2 (cited by Genetics laboratory, Institute of Kidney Diseases & Research Centre Dr. H.L. Trivedi Institute Of Transplantation Sciences).